The following is an entry in ClinVar:

NM_004655.4(AXIN2):c.1195C>T (p.Arg399Ter)

Gene: AXIN2 (axin 2; minus strand). Cytogenetic location: 17q24.1.
Variant type: single nucleotide variant.
Coding change: c.1195C>T on transcript NM_004655.4 (MANE Select); coding-DNA position 1195, C replaced by T.
Protein change: p.Arg399Ter; replaces arginine 399 with a stop codon.
Molecular consequence: nonsense.
Genome position (GRCh38, 1-based): chr17:65,538,208, G>A on the plus strand (C>T on the coding strand, the complement: AXIN2 is on the minus strand). VCF-style: chr17-65538208-G-A. GRCh37 (hg19) VCF-style: chr17-63534326-G-A.
Other names: c.1195C>T, p.Arg399Ter (NM_001363813.1); short protein forms R399*.
Identifiers: ClinVar variation 933270 (VCV000933270.8), dbSNP rs1157452251, ClinGen allele CA400678123.
Genomic context (GRCh38, chr17:65,538,208, plus strand): 5'-CATACGAGCGCTCACGCCGTGGACGGAAGCAGGAAGAAGGCCTAGGCCGCATTACCTCTC[G>A]GATCTGCTGCAGGCGCTCCTCCAGGCTGTGGCGGCTCTCCAACTCCAGCTTCAGCTTTTC-3'

ClinVar aggregate classification (germline): Conflicting classifications of pathogenicity. Review status: criteria provided, conflicting classifications (1 of 4 stars). 2 submissions from 2 submitters: Pathogenic (1); Uncertain significance (1). Last evaluated 2024-08-20.

Conditions:
Oligodontia-cancer predisposition syndrome. Also called: TOOTH AGENESIS-COLORECTAL CANCER SYNDROME. Identifiers: Orphanet 300576, MedGen C1837750, MONDO:0012075, OMIM 608615. Disease mechanism: loss of function.

Allele frequency attached by ClinVar (database versions not stated): gnomAD exomes below 0.00001.

Submissions (2):

GeneDx
Classification: Uncertain significance. Last evaluated: 2024-08-20. Review status: criteria provided, single submitter. Criteria: GeneDx Variant Classification Process June 2021. Collection method: clinical testing. Allele origin: germline. Affected: yes.
Comment: Has not been previously published as pathogenic or benign to our knowledge; Not observed at significant frequency in large population cohorts (gnomAD); Nonsense variant predicted to result in protein truncation or nonsense mediated decay in a gene or region of a gene for which loss of function is not a well-established mechanism of disease

Labcorp Genetics (formerly Invitae), Labcorp
Classification: Pathogenic for Oligodontia-cancer predisposition syndrome. Last evaluated: 2019-06-17. Review status: criteria provided, single submitter. Criteria: Invitae Variant Classification Sherloc (09022015). Collection method: clinical testing. Allele origin: germline.
Comment: This variant is not present in population databases (ExAC no frequency). For these reasons, this variant has been classified as Pathogenic. Loss-of-function variants in AXIN2 are known to be pathogenic (PMID: 15042511, 21416598). This variant has not been reported in the literature in individuals with AXIN2-related conditions. This sequence change creates a premature translational stop signal (p.Arg399*) in the AXIN2 gene. It is expected to result in an absent or disrupted protein product.

Literature cited by the submitters: PubMed 15042511 (cited by Labcorp Genetics (formerly Invitae), Labcorp); PubMed 21416598 (cited by Labcorp Genetics (formerly Invitae), Labcorp).